The following is an entry in ClinVar:

NM_152383.5(DIS3L2):c.970G>T (p.Gly324Trp)

Gene: DIS3L2 (DIS3 like 3'-5' exoribonuclease 2; plus strand). Cytogenetic location: 2q37.1.
Variant type: single nucleotide variant.
Coding change: c.970G>T on transcript NM_152383.5 (MANE Select); coding-DNA position 970, G replaced by T.
Protein change: p.Gly324Trp; replaces glycine 324 with tryptophan.
Molecular consequence: missense variant. On other transcripts: non-coding transcript variant (2).
Genome position (GRCh38, 1-based): chr2:232,163,478, G>T. VCF-style: chr2-232163478-G-T. GRCh37 (hg19) VCF-style: chr2-233028188-G-T.
Other names: c.970G>T, p.Gly324Trp (NM_001257281.2); short protein forms G324W.
Identifiers: ClinVar variation 1488030 (VCV001488030.8), dbSNP rs2106377117, ClinGen allele CA351154194.

ClinVar aggregate classification (germline): Uncertain significance (1 of 4 stars; one submission).

Conditions:
Perlman syndrome (PRLMNS). Identifiers: Orphanet 2849, MedGen C0796113, MONDO:0009965, OMIM 267000.

Submission:

Labcorp Genetics (formerly Invitae), Labcorp
Classification: Uncertain significance for Perlman syndrome. Last evaluated: 2021-07-01. Review status: criteria provided, single submitter. Criteria: Invitae Variant Classification Sherloc (09022015). Collection method: clinical testing. Allele origin: germline.
Comment: This sequence change replaces glycine with tryptophan at codon 324 of the DIS3L2 protein (p.Gly324Trp). The glycine residue is highly conserved and there is a large physicochemical difference between glycine and tryptophan. This variant is not present in population databases (ExAC no frequency). This variant has not been reported in the literature in individuals affected with DIS3L2-related conditions. Algorithms developed to predict the effect of missense changes on protein structure and function are either unavailable or do not agree on the potential impact of this missense change (SIFT: "Deleterious"; PolyPhen-2: "Probably Damaging"; Align-GVGD: "Class C15"). In summary, the available evidence is currently insufficient to determine the role of this variant in disease. Therefore, it has been classified as a Variant of Uncertain Significance.